The following is an entry in ClinVar:

ClinVar aggregate classification (germline): Uncertain significance. Review status: criteria provided, multiple submitters, no conflicts (2 of 4 stars). 2 submissions from 2 submitters: Uncertain significance (2). Last evaluated 2020-02-18.

Allele frequency attached by ClinVar (database versions not stated): gnomAD 0.00001; gnomAD exomes 0.00001 and 0.00003; TOPMed 0.00001.
gnomAD v4.1: 50 of 1,613,990 alleles (0.0031%); highest among the groups gnomAD compares: Non-Finnish European, 0.0036%; no homozygotes.

Submissions (2):

Labcorp Genetics (formerly Invitae), Labcorp
Classification: Uncertain significance. Last evaluated: 2020-02-18. Review status: criteria provided, single submitter. Criteria: Invitae Variant Classification Sherloc (09022015). Collection method: clinical testing. Allele origin: germline.
Comment: In summary, the available evidence is currently insufficient to determine the role of this variant in disease. Therefore, it has been classified as a Variant of Uncertain Significance. This variant has not been reported in the literature in individuals with TOPORS-related conditions. This variant is not present in population databases (ExAC no frequency). This sequence change replaces arginine with glycine at codon 607 of the TOPORS protein (p.Arg607Gly). The arginine residue is moderately conserved and there is a moderate physicochemical difference between arginine and glycine.

Blueprint Genetics
Classification: Uncertain significance. Last evaluated: 2019-10-28. Review status: criteria provided, single submitter. Criteria: ACMG Guidelines, 2015. Collection method: clinical testing. Allele origin: germline.

NM_005802.5(TOPORS):c.1819A>G (p.Arg607Gly)

Gene: TOPORS (TOP1 binding arginine/serine rich protein, E3 ubiquitin ligase; minus strand). Cytogenetic location: 9p21.1.
Variant type: single nucleotide variant.
Coding change: c.1819A>G on transcript NM_005802.5 (MANE Select); coding-DNA position 1819, A replaced by G.
Protein change: p.Arg607Gly; replaces arginine 607 with glycine.
Molecular consequence: missense variant.
Genome position (GRCh38, 1-based): chr9:32,542,706, T>C on the plus strand (A>G on the coding strand, the complement: TOPORS is on the minus strand). VCF-style: chr9-32542706-T-C. GRCh37 (hg19) VCF-style: chr9-32542704-T-C.
Other names: c.1624A>G, p.Arg542Gly (NM_001195622.2); short protein forms R542G, R607G.
Identifiers: ClinVar variation 1007193 (VCV001007193.10), dbSNP rs1363594788, ClinGen allele CA373168027.
Genomic context (GRCh38, chr9:32,542,706, plus strand): 5'-TACTTTTCATTCTTTTCTTCCCATGATGCTTTCTATGATTCTTCTGATCATGCCCACTTC[T>C]ACTCTGAGAACGTGAATCTGAACTTCTTGATCTTCCCCTCTTTCTGTGTCTATGGTTATA-3'
Protein context (NP_005793.2, residues 597-617): SRSSDSRSQS[Arg607Gly]SGHDQKNHRK